The following is an entry in ClinVar:

NM_021930.6(RINT1):c.954del (p.Arg318fs)

Gene: RINT1 (RAD50 interactor 1; plus strand). Cytogenetic location: 7q22.3.
Variant type: Deletion.
Coding change: c.954del on transcript NM_021930.6 (MANE Select); coding-DNA position 954, one base deleted (G; older notation c.954delG).
Protein change: p.Arg318fs; shifts the reading frame from arginine 318.
Molecular consequence: frameshift variant. On other transcripts: 5 prime UTR variant (1), non-coding transcript variant (1), intron variant (1).
Genome position (GRCh38, 1-based): chr7:105,548,668, G deleted; the last of 2 consecutive G bases (chr7:105,548,667-105,548,668); deleting either gives the same sequence. VCF-style (leftmost placement, unchanged base first): chr7-105548666-AG-A. GRCh37 (hg19) VCF-style: chr7-105189113-AG-A.
Other names: c.720del, p.Arg240fs (NM_001346599.2); c.-66del (NM_001346600.2); c.30del, p.Arg10fs (NM_001346601.2); c.-27-1387del (NM_001346603.2); short protein forms R318fs, R10fs, R240fs.
Identifiers: ClinVar variation 2448417 (VCV002448417.2), dbSNP rs2485127997, ClinGen allele CA2580076107.

ClinVar aggregate classification (germline): Uncertain significance (1 of 4 stars; one submission).

Submission:

Ambry Genetics
Classification: Uncertain significance. Last evaluated: 2023-01-31. Review status: criteria provided, single submitter. Criteria: Ambry Variant Classification Scheme 2023. Collection method: clinical testing. Allele origin: germline.
Comment: The c.954delG variant, located in coding exon 7 of the RINT1 gene, results from a deletion of one nucleotide at nucleotide position 954, causing a translational frameshift with a predicted alternate stop codon (p.R318Sfs*13). This alteration is expected to result in loss of function by premature protein truncation or nonsense-mediated mRNA decay. The evidence for this gene-disease relationship is limited; therefore, the clinical significance of this alteration is unclear.